The following is an entry in ClinVar:

NM_133510.4(RAD51B):c.287G>A (p.Gly96Asp)

Gene: RAD51B (RAD51 paralog B; plus strand). Cytogenetic location: 14q24.1.
Variant type: single nucleotide variant.
Coding change: c.287G>A on transcript NM_133510.4 (MANE Select); coding-DNA position 287, G replaced by A.
Protein change: p.Gly96Asp; replaces glycine 96 with aspartic acid.
Molecular consequence: missense variant. On other transcripts: 5 prime UTR variant (1).
Genome position (GRCh38, 1-based): chr14:67,835,168, G>A. VCF-style: chr14-67835168-G-A. GRCh37 (hg19) VCF-style: chr14-68301885-G-A.
Other names: c.287G>A, p.Gly96Asp (NM_001321809.2, NM_001321810.2, NM_001321812.1 and 6 more transcripts); c.173G>A, p.Gly58Asp (NM_001321815.1); c.-169G>A (NM_001321817.2); short protein forms G58D, G96D.
Identifiers: ClinVar variation 4575327 (VCV004575327.1).

ClinVar aggregate classification (germline): Uncertain significance (1 of 4 stars; one submission).

gnomAD v4.1: 5 of 1,613,920 alleles (0.00031%); highest among the groups gnomAD compares: East Asian, 0.0022%; no homozygotes.

Submission:

Ambry Genetics
Classification: Uncertain significance. Last evaluated: 2025-11-29. Review status: criteria provided, single submitter. Criteria: Ambry Variant Classification Scheme 2023. Collection method: clinical testing. Allele origin: germline.
Comment: The p.G96D variant (also known as c.287G>A), located in coding exon 3 of the RAD51B gene, results from a G to A substitution at nucleotide position 287. The glycine at codon 96 is replaced by aspartic acid, an amino acid with similar properties. This amino acid position is conserved. In addition, this alteration is predicted to be deleterious by in silico analysis. Based on the available evidence, the clinical significance of this variant remains unclear.